The following is an entry in ClinVar:

NM_001407.3(CELSR3):c.7312G>A (p.Val2438Ile)

Gene: CELSR3 (cadherin EGF LAG seven-pass G-type receptor 3; minus strand). Cytogenetic location: 3p21.31.
Variant type: single nucleotide variant.
Coding change: c.7312G>A on transcript NM_001407.3 (MANE Select); coding-DNA position 7312, G replaced by A.
Protein change: p.Val2438Ile; replaces valine 2438 with isoleucine.
Molecular consequence: missense variant.
Genome position (GRCh38, 1-based): chr3:48,646,241, C>T on the plus strand (G>A on the coding strand, the complement: CELSR3 is on the minus strand). VCF-style: chr3-48646241-C-T. GRCh37 (hg19) VCF-style: chr3-48683674-C-T.
Other names: c.7312G>A (NM_001407.2); short protein forms V2438I.
Identifiers: ClinVar variation 2653798 (VCV002653798.25), dbSNP rs143320362, ClinGen allele CA2384220.

ClinVar aggregate classification (germline): Benign/Likely benign. Review status: criteria provided, multiple submitters, no conflicts (2 of 4 stars). 2 submissions from 2 submitters: Benign (1); Likely benign (1). Last evaluated 2024-10-20.

Conditions:
CELSR3-related disorder. Also called: CELSR3-related condition.

Allele frequency attached by ClinVar (database versions not stated): ESP Exome Variant Server 0.00146; 1000 Genomes Project 0.00100; TOPMed 0.00102; gnomAD 0.00115; 1000 Genomes Project 30x 0.00141.
gnomAD v4.1: 2,720 of 1,611,754 alleles (0.17%); highest among the groups gnomAD compares: Non-Finnish European, 0.21%; 4 homozygotes.

Submissions (2):

PreventionGenetics, part of Exact Sciences
Classification: Likely benign for CELSR3-related condition. Last evaluated: 2024-10-20. Review status: criteria provided, single submitter. Criteria: ACMG Guidelines, 2015. Collection method: clinical testing. Allele origin: germline.
Comment: This variant is classified as likely benign based on ACMG/AMP sequence variant interpretation guidelines (Richards et al. 2015 PMID: 25741868, with internal and published modifications).

CeGaT Center for Human Genetics Tuebingen
Classification: Benign. Last evaluated: 2024-02-01. Review status: criteria provided, single submitter. Criteria: CeGaT Center For Human Genetics Tuebingen Variant Classification Criteria Version 2. Collection method: clinical testing. Allele origin: germline. Affected: yes. Observed: 2 variant alleles.
Comment: CELSR3: BS1, BS2